The following is an entry in ClinVar:

NM_002890.3(RASA1):c.1828C>T (p.His610Tyr)

Genes: CCNH (cyclin H; minus strand), RASA1 (RAS p21 protein activator 1; plus strand). Cytogenetic location: 5q14.3.
Variant type: single nucleotide variant.
Coding change: c.1828C>T on transcript NM_002890.3 (MANE Select); coding-DNA position 1828, C replaced by T.
Protein change: p.His610Tyr; replaces histidine 610 with tyrosine.
Molecular consequence: missense variant. On other transcripts: intron variant (1).
Genome position (GRCh38, 1-based): chr5:87,374,214, C>T. VCF-style: chr5-87374214-C-T. GRCh37 (hg19) VCF-style: chr5-86670031-C-T.
Other names: c.1297C>T, p.His433Tyr (NM_022650.3); c.933+20830G>A (NM_001364075.2); short protein forms H610Y, H433Y.
Identifiers: ClinVar variation 2190725 (VCV002190725.3), dbSNP rs2531338358, ClinGen allele CA360374110.

ClinVar aggregate classification (germline): Uncertain significance (1 of 4 stars; one submission).

Conditions:
Capillary malformation-arteriovenous malformation syndrome. Also called: Capillary malformation-arteriovenous malformation. Identifiers: Orphanet 137667, MedGen C1842180, MONDO:0012016.

Submission:

Labcorp Genetics (formerly Invitae), Labcorp
Classification: Uncertain significance for Capillary malformation-arteriovenous malformation syndrome. Last evaluated: 2025-04-24. Review status: criteria provided, single submitter. Criteria: Invitae Variant Classification Sherloc (09022015). Collection method: clinical testing. Allele origin: germline.
Comment: This sequence change replaces histidine, which is basic and polar, with tyrosine, which is neutral and polar, at codon 610 of the RASA1 protein (p.His610Tyr). This variant is not present in population databases (gnomAD no frequency). This variant has not been reported in the literature in individuals affected with RASA1-related conditions. ClinVar contains an entry for this variant (Variation ID: 2190725). An algorithm developed to predict the effect of missense changes on protein structure and function (PolyPhen-2) suggests that this variant is likely to be tolerated. In summary, the available evidence is currently insufficient to determine the role of this variant in disease. Therefore, it has been classified as a Variant of Uncertain Significance.